The following is an entry in ClinVar:

ClinVar aggregate classification (germline): Uncertain significance (1 of 4 stars; one submission).

Conditions:
Autosomal recessive limb-girdle muscular dystrophy type 2J (LGMDR10). Also called: Limb-girdle muscular dystrophy, type 2J; MUSCULAR DYSTROPHY, LIMB-GIRDLE, AUTOSOMAL RECESSIVE 10. Identifiers: Orphanet 140922, MedGen C1837342, MONDO:0012127, OMIM 608807.
Dilated cardiomyopathy 1G (CMD1G). Identifiers: Orphanet 154, MedGen C1858763, MONDO:0011400, OMIM 604145.

Submission:

Labcorp Genetics (formerly Invitae), Labcorp
Classification: Uncertain significance for Dilated cardiomyopathy 1G; Autosomal recessive limb-girdle muscular dystrophy type 2J. Last evaluated: 2017-10-21. Review status: criteria provided, single submitter. Criteria: Invitae Variant Classification Sherloc (09022015). Collection method: clinical testing. Allele origin: germline.
Comment: This sequence change replaces glycine with aspartic acid at codon 33769 of the TTN protein (p.Gly33769Asp). There is a moderate physicochemical difference between glycine and aspartic acid. This variant is not present in population databases (ExAC no frequency). This variant has not been reported in the literature in individuals with TTN-related disease. In summary, this variant is a novel missense change with unknown impact on protein function. Missense variants in this region of the TTN gene are typically not causative for cardiac disease, but may be relevant for neuromuscular disorders. However, the available evidence is currently insufficient to determine this variant’s role in disease. Therefore, it has been classified as a Variant of Uncertain Significance. This variant identified in the TTN gene is located in the M band of the resulting protein (PMID: 25589632). It is unclear how this variant impacts the function of this protein. Algorithms developed to predict the effect of missense changes on protein structure and function are unavailable for the TTN gene.

Literature cited by the submitters: PubMed 25589632.

NM_001267550.2(TTN):c.101306G>A (p.Gly33769Asp)

Genes: TTN (titin; minus strand), TTN-AS1 (TTN antisense RNA 1; plus strand). Cytogenetic location: 2q31.2.
Variant type: single nucleotide variant.
Coding change: c.101306G>A on transcript NM_001267550.2 (MANE Select); coding-DNA position 101306, G replaced by A.
Protein change: p.Gly33769Asp; replaces glycine 33769 with aspartic acid.
Molecular consequence: missense variant.
Genome position (GRCh38, 1-based): chr2:178,535,309, C>T on the plus strand (G>A on the coding strand, the complement: TTN is on the minus strand). VCF-style: chr2-178535309-C-T. GRCh37 (hg19) VCF-style: chr2-179400036-C-T.
Other names: c.96383G>A, p.Gly32128Asp (NM_001256850.1); c.74111G>A, p.Gly24704Asp (NM_003319.4); c.93602G>A, p.Gly31201Asp (NM_133378.4); c.74486G>A, p.Gly24829Asp (NM_133432.3); c.74687G>A, p.Gly24896Asp (NM_133437.4); short protein forms G33769D, G32128D, G24704D, G24829D, G24896D, G31201D.
Identifiers: ClinVar variation 535050 (VCV000535050.7), dbSNP rs1553499045, ClinGen allele CA349421001.